The following is an entry in ClinVar:

ClinVar aggregate classification (germline): Uncertain significance (1 of 4 stars; one submission).

Conditions:
Hereditary cancer-predisposing syndrome. Also called: Hereditary Cancer Syndrome; Tumor predisposition; Hereditary neoplastic syndrome; Neoplastic Syndromes, Hereditary. Identifiers: Orphanet 140162, MedGen C0027672, MeSH D009386, MONDO:0015356.

gnomAD v4.1: 1 of 1,614,008 alleles (0.000062%); highest among the groups gnomAD compares: East Asian, 0.0022%; no homozygotes.

Submission:

Ambry Genetics
Classification: Uncertain significance for Hereditary cancer-predisposing syndrome. Last evaluated: 2024-03-30. Review status: criteria provided, single submitter. Criteria: Ambry Variant Classification Scheme 2023. Collection method: clinical testing. Allele origin: germline.
Comment: The p.S443Y variant (also known as c.1328C>A), located in coding exon 6 of the BLM gene, results from a C to A substitution at nucleotide position 1328. The serine at codon 443 is replaced by tyrosine, an amino acid with dissimilar properties. This amino acid position is conserved. In addition, this alteration is predicted to be tolerated by in silico analysis. Based on the available evidence, the clinical significance of this alteration remains unclear.

NM_000057.4(BLM):c.1328C>A (p.Ser443Tyr)

Gene: BLM (BLM RecQ like helicase; plus strand). Cytogenetic location: 15q26.1.
Variant type: single nucleotide variant.
Coding change: c.1328C>A on transcript NM_000057.4 (MANE Select); coding-DNA position 1328, C replaced by A.
Protein change: p.Ser443Tyr; replaces serine 443 with tyrosine.
Molecular consequence: missense variant.
Genome position (GRCh38, 1-based): chr15:90,760,701, C>A. VCF-style: chr15-90760701-C-A. GRCh37 (hg19) VCF-style: chr15-91303931-C-A.
Other names: c.1328C>A, p.Ser443Tyr (NM_001287246.2, NM_001287247.2); c.203C>A, p.Ser68Tyr (NM_001287248.2); short protein forms S443Y, S68Y.
Identifiers: ClinVar variation 3261019 (VCV003261019.1).